The following is an entry in ClinVar:

ClinVar aggregate classification (germline): Uncertain significance. Review status: criteria provided, multiple submitters, no conflicts (2 of 4 stars). 3 submissions from 3 submitters: Uncertain significance (3). Last evaluated 2025-08-25.

Conditions:
Hereditary cancer-predisposing syndrome. Also called: Neoplastic Syndromes, Hereditary; Tumor predisposition; Hereditary Cancer Syndrome; Hereditary neoplastic syndrome. Identifiers: Orphanet 140162, MedGen C0027672, MeSH D009386, MONDO:0015356.
Breast-ovarian cancer, familial, susceptibility to, 4. Identifiers: Orphanet 145, MedGen C3280345, MONDO:0013669, OMIM 614291.

Submissions (3):

Ambry Genetics
Classification: Uncertain significance for Hereditary cancer-predisposing syndrome. Last evaluated: 2025-08-25. Review status: criteria provided, single submitter. Criteria: Ambry Variant Classification Scheme 2023. Collection method: clinical testing. Allele origin: germline.
Comment: The p.L226W variant (also known as c.677T>G), located in coding exon 8 of the RAD51D gene, results from a T to G substitution at nucleotide position 677. The leucine at codon 226 is replaced by tryptophan, an amino acid with similar properties. This amino acid position is conserved. In addition, the in silico prediction for this alteration is inconclusive. Based on the available evidence, the clinical significance of this variant remains unclear.

Color Diagnostics, LLC DBA Color Health
Classification: Uncertain significance for Hereditary cancer-predisposing syndrome. Last evaluated: 2024-03-06. Review status: criteria provided, single submitter. Criteria: ACMG Guidelines, 2015. Collection method: clinical testing. Allele origin: germline.
Comment: This missense variant replaces leucine with tryptophan at codon 226 of the RAD51D protein. Computational prediction tool suggests that this variant may not impact protein structure and function (internally defined REVEL score threshold <=0.5, PMID: 27666373). Splice site prediction tools suggest that this variant may not impact RNA splicing. To our knowledge, functional studies have not been performed for this variant. This variant has not been reported in individuals affected with hereditary cancer in the literature. This variant has not been identified in the general population by the Genome Aggregation Database (gnomAD). The available evidence is insufficient to determine the role of this variant in disease conclusively. Therefore, this variant is classified as a Variant of Uncertain Significance.

Labcorp Genetics (formerly Invitae), Labcorp
Classification: Uncertain significance for Breast-ovarian cancer, familial, susceptibility to, 4. Last evaluated: 2018-09-06. Review status: criteria provided, single submitter. Criteria: Invitae Variant Classification Sherloc (09022015). Collection method: clinical testing. Allele origin: germline.
Comment: This sequence change replaces leucine with tryptophan at codon 226 of the RAD51D protein (p.Leu226Trp). The leucine residue is moderately conserved and there is a small physicochemical difference between leucine and tryptophan. This variant is not present in population databases (ExAC no frequency). This variant has not been reported in the literature in individuals with RAD51D-related disease. Algorithms developed to predict the effect of missense changes on protein structure and function are either unavailable or do not agree on the potential impact of this missense change (SIFT: "Tolerated"; PolyPhen-2: "Probably Damaging"; Align-GVGD: "Class C0"). In summary, the available evidence is currently insufficient to determine the role of this variant in disease. Therefore, it has been classified as a Variant of Uncertain Significance.

NM_002878.4(RAD51D):c.677T>G (p.Leu226Trp)

Genes: RAD51L3-RFFL (RAD51L3-RFFL readthrough; minus strand), RAD51D (RAD51 paralog D; minus strand). Cytogenetic location: 17q12.
Variant type: single nucleotide variant.
Coding change: c.677T>G on transcript NM_002878.4 (MANE Select); coding-DNA position 677, T replaced by G.
Protein change: p.Leu226Trp; replaces leucine 226 with tryptophan.
Molecular consequence: missense variant. On other transcripts: non-coding transcript variant (3).
Genome position (GRCh38, 1-based): chr17:35,103,315, A>C on the plus strand (T>G on the coding strand, the complement: RAD51D is on the minus strand). VCF-style: chr17-35103315-A-C. GRCh37 (hg19) VCF-style: chr17-33430334-A-C.
Other names: c.737T>G, p.Leu246Trp (NM_001142571.2); c.341T>G, p.Leu114Trp (NM_133629.3); short protein forms L114W, L246W, L226W.
Identifiers: ClinVar variation 640026 (VCV000640026.11), dbSNP rs1597858423, ClinGen allele CA399087786.